The following is an entry in ClinVar:

ClinVar aggregate classification (germline): Conflicting classifications of pathogenicity. Review status: criteria provided, conflicting classifications (1 of 4 stars). 7 submissions from 7 submitters: Uncertain significance (6); Likely benign (1). Last evaluated 2025-03-28.

Conditions:
Hereditary breast ovarian cancer syndrome. Also called: BRCA1- and BRCA2-Associated Hereditary Breast and Ovarian Cancer; Hereditary breast and ovarian cancer syndrome (HBOC); Hereditary breast and ovarian cancer syndrome; Breast and ovarian cancer; Hereditary breast and ovarian cancer; Hereditary breast and/or ovarian cancer syndrome. Identifiers: Orphanet 145, MedGen C0677776, MeSH D061325, MONDO:0003582. Disease mechanism: loss of function.
Hereditary cancer-predisposing syndrome. Also called: Hereditary Cancer Syndrome; Hereditary neoplastic syndrome; Neoplastic Syndromes, Hereditary; Tumor predisposition. Identifiers: Orphanet 140162, MedGen C0027672, MeSH D009386, MONDO:0015356.
Breast-ovarian cancer, familial, susceptibility to, 1 (BROVCA1). Also called: OVARIAN CANCER, SUSCEPTIBILITY TO; BRCA1 Hereditary Breast and Ovarian Cancer. Identifiers: Orphanet 145, MedGen C2676676, MONDO:0011450, OMIM 604370. Disease mechanism: loss of function.

Allele frequency attached by ClinVar (database versions not stated): gnomAD exomes below 0.00001.
gnomAD v4.1: 1 of 1,611,704 alleles (0.000062%); highest among the groups gnomAD compares: Middle Eastern, 0.017%; no homozygotes.

Submissions (7):

Ambry Genetics
Classification: Uncertain significance for Hereditary cancer-predisposing syndrome. Last evaluated: 2025-03-28. Review status: criteria provided, single submitter. Criteria: Ambry Variant Classification Scheme 2023. Collection method: clinical testing. Allele origin: germline.
Comment: The p.P273S variant (also known as c.817C>T), located in coding exon 9 of the BRCA1 gene, results from a C to T substitution at nucleotide position 817. The proline at codon 273 is replaced by serine, an amino acid with similar properties. This amino acid position is well conserved in available vertebrate species. In addition, the in silico prediction for this alteration is inconclusive. Since supporting evidence is limited at this time, the clinical significance of this alteration remains unclear.

Labcorp Genetics (formerly Invitae), Labcorp
Classification: Uncertain significance for Hereditary breast ovarian cancer syndrome. Last evaluated: 2023-12-30. Review status: criteria provided, single submitter. Criteria: Invitae Variant Classification Sherloc (09022015). Collection method: clinical testing. Allele origin: germline.
Comment: This sequence change replaces proline, which is neutral and non-polar, with serine, which is neutral and polar, at codon 273 of the BRCA1 protein (p.Pro273Ser). This variant is not present in population databases (gnomAD no frequency). This variant has not been reported in the literature in individuals affected with BRCA1-related conditions. ClinVar contains an entry for this variant (Variation ID: 801088). Advanced modeling of protein sequence and biophysical properties (such as structural, functional, and spatial information, amino acid conservation, physicochemical variation, residue mobility, and thermodynamic stability) performed at Invitae indicates that this missense variant is not expected to disrupt BRCA1 protein function with a negative predictive value of 95%. In summary, the available evidence is currently insufficient to determine the role of this variant in disease. Therefore, it has been classified as a Variant of Uncertain Significance.

All of Us Research Program, National Institutes of Health
Classification: Uncertain significance for Breast-ovarian cancer, familial, susceptibility to, 1. Last evaluated: 2023-08-15. Review status: criteria provided, single submitter. Criteria: ACMG Guidelines, 2015. Collection method: clinical testing. Allele origin: germline. Inheritance: Autosomal dominant inheritance. Observed: 1 variant allele, 1 heterozygote.
Comment: This missense variant replaces proline with serine at codon 273 of the BRCA1 protein. Computational prediction is inconclusive regarding the impact of this variant on protein structure and function (internally defined REVEL score threshold 0.5 < inconclusive < 0.7, PMID: 27666373). To our knowledge, functional studies have not been reported for this variant. This variant has not been reported in individuals affected with hereditary cancer in the literature. This variant has not been identified in the general population by the Genome Aggregation Database (gnomAD). The available evidence is insufficient to determine the role of this variant in disease conclusively. Therefore, this variant is classified as a Variant of Uncertain Significance.

This study involves interpretation of variants in research participants for the purpose of population health screening. Participant phenotype was not available at the time of variant classification. Additional details can be found in publication PMID: 35346344, PMCID: PMC8962531

ARUP Laboratories, Molecular Genetics and Genomics, ARUP Laboratories
Classification: Uncertain significance. Last evaluated: 2023-03-28. Review status: criteria provided, single submitter. Criteria: ARUP Molecular Germline Variant Investigation Process 2024. Collection method: clinical testing. Allele origin: germline.
Comment: The BRCA1 c.817C>T; p.Pro273Ser variant (rs1597879824), to our knowledge, is not reported in the medical literature but is reported in ClinVar (Variation ID: 801088). This variant is absent from the Genome Aggregation Database, indicating it is not a common polymorphism. Computational analyses are uncertain whether this variant is neutral or deleterious (REVEL: 0.593). Due to limited information, the clinical significance of this variant is uncertain at this time.

University of Washington Department of Laboratory Medicine, University of Washington
Classification: Likely benign for Hereditary cancer-predisposing syndrome. Last evaluated: 2023-03-23. Review status: criteria provided, single submitter. Criteria: Dines et al. (Genet Med. 2020). Collection method: curation. Allele origin: germline.
Comment: Missense variant in a coldspot region where missense variants are very unlikely to be pathogenic (PMID:31911673).

BRCA1 coldspot (exon 11 using historical exon numbering). Reclassification based on statistical prior probability

Color Diagnostics, LLC DBA Color Health
Classification: Uncertain significance for Hereditary cancer-predisposing syndrome. Last evaluated: 2021-09-30. Review status: criteria provided, single submitter. Criteria: ACMG Guidelines, 2015. Collection method: clinical testing. Allele origin: germline.
Comment: This missense variant replaces proline with serine at codon 273 of the BRCA1 protein. Computational prediction is inconclusive regarding the impact of this variant on protein structure and function (internally defined REVEL score threshold 0.5 < inconclusive < 0.7, PMID: 27666373). To our knowledge, functional studies have not been reported for this variant. This variant has not been reported in individuals affected with hereditary cancer in the literature. This variant has not been identified in the general population by the Genome Aggregation Database (gnomAD). The available evidence is insufficient to determine the role of this variant in disease conclusively. Therefore, this variant is classified as a Variant of Uncertain Significance.

Quest Diagnostics Nichols Institute San Juan Capistrano
Classification: Uncertain significance. Last evaluated: 2018-11-16. Review status: criteria provided, single submitter. Criteria: Quest Diagnostics criteria. Collection method: clinical testing. Allele origin: germline.

NM_007294.4(BRCA1):c.817C>T (p.Pro273Ser)

Gene: BRCA1 (BRCA1 DNA repair associated; minus strand). Cytogenetic location: 17q21.31.
Variant type: single nucleotide variant.
Coding change: c.817C>T on transcript NM_007294.4 (MANE Select); coding-DNA position 817, C replaced by T.
Protein change: p.Pro273Ser; replaces proline 273 with serine.
Molecular consequence: missense variant. On other transcripts: intron variant (137), 5 prime UTR variant (2).
Genome position (GRCh38, 1-based): chr17:43,094,714, G>A on the plus strand (C>T on the coding strand, the complement: BRCA1 is on the minus strand). VCF-style: chr17-43094714-G-A. GRCh37 (hg19) VCF-style: chr17-41246731-G-A.
Other names: c.664+30C>T (NM_001408441.1, NM_001408437.1, NM_001408429.1 and 12 more transcripts); c.787+30C>T (NM_001407979.1, NM_001407977.1, NM_001407982.1 and 19 more transcripts); c.646+30C>T (NM_001408410.1, NM_001408458.1, NM_001408469.1 and 11 more transcripts); c.709+30C>T (NM_001408415.1, NM_001408412.1, NM_001408409.1 and 2 more transcripts); c.577+30C>T (NM_001408483.1, NM_001408481.1, NM_001408480.1 and 9 more transcripts); c.604C>T, p.Pro202Ser (NM_001407571.1, NM_001407853.1, NM_001407894.1 and 9 more transcripts); c.817C>T, p.Pro273Ser (NM_001407581.1, NM_001407582.1, NM_001407583.1 and 30 more transcripts); c.814C>T, p.Pro272Ser (NM_001407587.1, NM_001407590.1, NM_001407591.1 and 22 more transcripts); and 40 more; short protein forms P226S, P273S, P145S, P146S, P184S, P206S, P225S, P246S.
Identifiers: ClinVar variation 801088 (VCV000801088.19), dbSNP rs1597879824, ClinGen allele CA10600447.
Genomic context (GRCh38, chr17:43,094,714, plus strand): 5'-TGAGTAATAAACTGCTGTTCTCATGCTGTAATGAGCTGGCATGAGTATTTGTGCCACATG[G>A]CTCCACATGCAAGTTTGAAACAGAACTACCCTGATACTTTTCTGGATGCCTCTCAGCTGC-3'
Protein context (NP_009225.1, residues 263-283): GSSVSNLHVE[Pro273Ser]CGTNTHASSL